The following is an entry in ClinVar:

ClinVar aggregate classification (germline): Pathogenic (1 of 4 stars; one submission).

Conditions:
Short-rib thoracic dysplasia 10 with or without polydactyly (SRTD10). Identifiers: Orphanet 474, MedGen C3810175, MONDO:0014284, OMIM 615630.
Retinitis pigmentosa 71 (RP71). Identifiers: Orphanet 791, MedGen C4225342, MONDO:0014618, OMIM 616394.

Submission:

Labcorp Genetics (formerly Invitae), Labcorp
Classification: Pathogenic for Retinitis pigmentosa 71; Short-rib thoracic dysplasia 10 with or without polydactyly. Last evaluated: 2024-08-15. Review status: criteria provided, single submitter. Criteria: Invitae Variant Classification Sherloc (09022015). Collection method: clinical testing. Allele origin: germline.
Comment: This sequence change creates a premature translational stop signal (p.Leu292Trpfs*37) in the IFT172 gene. It is expected to result in an absent or disrupted protein product. Loss-of-function variants in IFT172 are known to be pathogenic (PMID: 24140113). This variant is present in population databases (no rsID available, gnomAD 0.009%). This variant has not been reported in the literature in individuals affected with IFT172-related conditions. For these reasons, this variant has been classified as Pathogenic.

Literature cited by the submitters: PubMed 24140113.

NM_015662.3(IFT172):c.875del (p.Leu292fs)

Gene: IFT172 (intraflagellar transport 172; minus strand). Cytogenetic location: 2p23.3.
Variant type: Deletion.
Coding change: c.875del on transcript NM_015662.3 (MANE Select); coding-DNA position 875, one base deleted (T; older notation c.875delT).
Protein change: p.Leu292fs; shifts the reading frame from leucine 292.
Molecular consequence: frameshift variant.
Genome position (GRCh38, 1-based): chr2:27,480,060, A deleted on the plus strand (T on the coding strand, the reverse complement: IFT172 is on the minus strand); the first of 2 consecutive A bases (chr2:27,480,060-27,480,061); deleting either gives the same sequence. VCF-style (leftmost placement, unchanged base first): chr2-27480059-CA-C. GRCh37 (hg19) VCF-style: chr2-27702926-CA-C.
Other names: c.875del, p.Leu292fs (NM_001410739.1); short protein forms L292fs.
Identifiers: ClinVar variation 2948556 (VCV002948556.3), dbSNP rs1478841179, ClinGen allele CA531440364.